The following is an entry in ClinVar:

NM_033310.3(KCNK4):c.655G>A (p.Val219Met)

Genes: KCNK4 (potassium two pore domain channel subfamily K member 4; plus strand), KCNK4-CATSPERZ (KCNK4-CATSPERZ readthrough (NMD candidate); plus strand). Cytogenetic location: 11q13.1.
Variant type: single nucleotide variant.
Coding change: c.655G>A on transcript NM_033310.3 (MANE Select); coding-DNA position 655, G replaced by A.
Protein change: p.Val219Met; replaces valine 219 with methionine.
Molecular consequence: missense variant. On other transcripts: non-coding transcript variant (3).
Genome position (GRCh38, 1-based): chr11:64,297,647, G>A. VCF-style: chr11-64297647-G-A. GRCh37 (hg19) VCF-style: chr11-64065119-G-A.
Other names: c.655G>A, p.Val219Met (NM_001317090.2, NM_033311.1); short protein forms V219M.
Identifiers: ClinVar variation 2446074 (VCV002446074.3), dbSNP rs1278756760, ClinGen allele CA381166882.

ClinVar aggregate classification (germline): Uncertain significance. Review status: criteria provided, multiple submitters, no conflicts (2 of 4 stars). 2 submissions from 2 submitters: Uncertain significance (2). Last evaluated 2024-07-03.

Allele frequency attached by ClinVar (database versions not stated): TOPMed below 0.00001; gnomAD 0.00001.

Submissions (2):

Labcorp Genetics (formerly Invitae), Labcorp
Classification: Uncertain significance. Last evaluated: 2024-07-03. Review status: criteria provided, single submitter. Criteria: Invitae Variant Classification Sherloc (09022015). Collection method: clinical testing. Allele origin: germline.
Comment: This sequence change replaces valine, which is neutral and non-polar, with methionine, which is neutral and non-polar, at codon 219 of the KCNK4 protein (p.Val219Met). The frequency data for this variant in the population databases is considered unreliable, as metrics indicate poor data quality at this position in the gnomAD database. This variant has not been reported in the literature in individuals affected with KCNK4-related conditions. ClinVar contains an entry for this variant (Variation ID: 2446074). An algorithm developed to predict the effect of missense changes on protein structure and function (PolyPhen-2) suggests that this variant is likely to be disruptive. In summary, the available evidence is currently insufficient to determine the role of this variant in disease. Therefore, it has been classified as a Variant of Uncertain Significance.

GeneDx
Classification: Uncertain significance. Last evaluated: 2022-09-22. Review status: criteria provided, single submitter. Criteria: GeneDx Variant Classification Process June 2021. Collection method: clinical testing. Allele origin: germline. Affected: yes.
Comment: In silico analysis supports that this missense variant has a deleterious effect on protein structure/function; Has not been previously published as pathogenic or benign to our knowledge